The following is an entry in ClinVar:

NM_014391.3(ANKRD1):c.347C>T (p.Thr116Met)

Gene: ANKRD1 (ankyrin repeat domain 1; minus strand). Cytogenetic location: 10q23.31.
Variant type: single nucleotide variant.
Coding change: c.347C>T on transcript NM_014391.3 (MANE Select); coding-DNA position 347, C replaced by T.
Protein change: p.Thr116Met; replaces threonine 116 with methionine.
Molecular consequence: missense variant.
Genome position (GRCh38, 1-based): chr10:90,918,971, G>A on the plus strand (C>T on the coding strand, the complement: ANKRD1 is on the minus strand). VCF-style: chr10-90918971-G-A. GRCh37 (hg19) VCF-style: chr10-92678728-G-A.
Other names: short protein forms T116M.
Identifiers: ClinVar variation 228439 (VCV000228439.60), dbSNP rs142354133, ClinGen allele CA5598747.

ClinVar aggregate classification (germline): Conflicting classifications of pathogenicity. Review status: criteria provided, conflicting classifications (1 of 4 stars). 6 submissions from 6 submitters: Uncertain significance (5); Likely benign (1). Last evaluated 2026-06-17.

Conditions:
ANKRD1-related disorder. Also called: ANKRD1-related condition.
Cardiovascular phenotype. Identifiers: MedGen CN230736.
ANKRD1-related dilated cardiomyopathy. Identifiers: MedGen CN119551.

Allele frequency attached by ClinVar (database versions not stated): TOPMed 0.00010; ExAC 0.00015; ESP Exome Variant Server 0.00015; gnomAD exomes 0.00015; gnomAD 0.00017 and 0.00018; 1000 Genomes Project 30x 0.00078; 1000 Genomes Project 0.00080.
gnomAD v4.1: 202 of 1,567,716 alleles (0.013%); highest among the groups gnomAD compares: East Asian, 0.019%; no homozygotes.

Submissions (6):

PreventionGenetics, part of Exact Sciences
Classification: Uncertain significance for ANKRD1-related condition. Last evaluated: 2026-06-17. Review status: criteria provided, single submitter. Criteria: ACMG Guidelines, 2015. Collection method: clinical testing. Allele origin: germline.
Comment: The ANKRD1 c.347C>T variant is predicted to result in the amino acid substitution p.Thr116Met. This variant has been reported in an individual with total anomalous pulmonary venous return (Cinquetti et al. 2008. PubMed ID: 18273862) and in three individuals with dilated cardiomyopathy (Duboscq-Bidot et al. 2009. PubMed ID: 19525294; Table S4, Verdonschot et al. 2020. PubMed ID: 32880476). The results of in vitro experimental studies are conflicting and provide insufficient evidence to determine the variant's impact on protein function (Cinquetti et al. 2008. PubMed ID: 18273862; Duboscq-Bidot et al. 2009. PubMed ID: 19525294). This variant is reported in 0.025% of alleles in individuals of European (non-Finnish) descent in gnomAD. At this time, the clinical significance of this variant is uncertain due to the absence of conclusive functional and genetic evidence.

Labcorp Genetics (formerly Invitae), Labcorp
Classification: Uncertain significance for ANKRD1-related dilated cardiomyopathy. Last evaluated: 2025-10-28. Review status: criteria provided, single submitter. Criteria: Invitae Variant Classification Sherloc (09022015). Collection method: clinical testing. Allele origin: germline.
Comment: This sequence change replaces threonine, which is neutral and polar, with methionine, which is neutral and non-polar, at codon 116 of the ANKRD1 protein (p.Thr116Met). This variant is present in population databases (rs142354133, gnomAD 0.03%). This missense change has been observed in individual(s) with total anomalous pulmonary venous return (TAPVR) and/or dilated cardiomyopathy (DCM) (PMID: 18273862, 19525294, 32880476). ClinVar contains an entry for this variant (Variation ID: 228439). An algorithm developed to predict the effect of missense changes on protein structure and function (PolyPhen-2) suggests that this variant is likely to be tolerated. Experimental studies are conflicting or provide insufficient evidence to determine the effect of this variant on ANKRD1 function (PMID: 18273862, 19525294). In summary, the available evidence is currently insufficient to determine the role of this variant in disease. Therefore, it has been classified as a Variant of Uncertain Significance.

Ambry Genetics
Classification: Uncertain significance for Cardiovascular phenotype. Last evaluated: 2025-09-28. Review status: criteria provided, single submitter. Criteria: Ambry Variant Classification Scheme 2023. Collection method: clinical testing. Allele origin: germline.
Comment: The p.T116M variant (also known as c.347C>T), located in coding exon 4 of the ANKRD1 gene, results from a C to T substitution at nucleotide position 347. The threonine at codon 116 is replaced by methionine, an amino acid with some similar properties, and is located in the PEST domain. In one study, this alteration was reported in a proband with total anomalous pulmonary venous return, and functional studies showed an increase in the stability of the protein; however the physiological relevance of this finding is unclear (Cinquetti R et al. Hum Mutat. 2008;29(4):468-74). This alteration was reported in a father and son with dilated cardiomyopathy (DCM) (Duboscq-Bidot L et al. Eur Heart J. 2009;30(17):2128-36), and has been reported in additional DCM cohorts (Verdonschot JAJ et al. Circ Genom Precis Med. 2020 10;13(5):476-487) as well as an exome sequencing cohort not selected for the presence of cardiovascular disease; however, details were limited (Norton N et al. Circ Cardiovasc Genet. 2012 Apr;5(2):167-74). This amino acid position is not well conserved in available vertebrate species. In addition, the in silico prediction for this alteration is inconclusive. Since supporting evidence is limited at this time, the clinical significance of this variant remains unclear.

GeneDx
Classification: Likely benign. Last evaluated: 2021-03-23. Review status: criteria provided, single submitter. Criteria: GeneDx Variant Classification Process June 2021. Collection method: clinical testing. Allele origin: germline. Affected: yes.
Comment: In silico analysis supports that this missense variant does not alter protein structure/function; This variant is associated with the following publications: (PMID: 23572067, 20497191, 19589340, 18273862, 19525294, 32880476)

CeGaT Center for Human Genetics Tuebingen
Classification: Uncertain significance. Last evaluated: 2020-10-01. Review status: criteria provided, single submitter. Criteria: CeGaT Center For Human Genetics Tuebingen Variant Classification Criteria Version 2. Collection method: clinical testing. Allele origin: germline. Affected: yes. Observed: 1 variant allele.

Laboratory for Molecular Medicine, Mass General Brigham Personalized Medicine
Classification: Uncertain significance. Last evaluated: 2015-09-09. Review status: criteria provided, single submitter. Criteria: LMM Criteria. Collection method: clinical testing. Allele origin: germline. Observed: 2 variant alleles.
Comment: The p.Thr116Met variant has been identified at low frequency in various populati ons by the Exome Aggregation Consortium (highest in Europeans; 14/65994 chromoso mes; ExAC; dbSNP rs142354133). This variant has been reported in 1 adult with anomalous pulmonary venous return (TAPVR) and ASD (Cinquetti 2008) as well as 1 adult and one affected relative with DCM (Duboscq -Bidot 2009). In vitro functional studies provide some evidence that the p.Thr11 6Met variant may impact the protein (Cinquetti 2008, Duboscq-Bidot 2009), but th ese types of assays may not accurately represent biological function. In summary , the clinical significance of the p.Thr116Met variant is uncertain.

Literature cited by the submitters: PubMed 18273862 (cited by 3 submitters); PubMed 19525294 (cited by 3 submitters); PubMed 32880476 (cited by Labcorp Genetics (formerly Invitae), Labcorp and Ambry Genetics); PubMed 19589340 (cited by Ambry Genetics); PubMed 22337857 (cited by Ambry Genetics).